The following is an entry in ClinVar:

NM_014918.5(CHSY1):c.1111G>A (p.Glu371Lys)

Gene: CHSY1 (chondroitin sulfate synthase 1; minus strand). Cytogenetic location: 15q26.3.
Variant type: single nucleotide variant.
Coding change: c.1111G>A on transcript NM_014918.5 (MANE Select); coding-DNA position 1111, G replaced by A.
Protein change: p.Glu371Lys; replaces glutamic acid 371 with lysine.
Molecular consequence: missense variant.
Genome position (GRCh38, 1-based): chr15:101,178,686, C>T on the plus strand (G>A on the coding strand, the complement: CHSY1 is on the minus strand). VCF-style: chr15-101178686-C-T. GRCh37 (hg19) VCF-style: chr15-101718891-C-T.
Other names: short protein forms E371K.
Identifiers: ClinVar variation 640497 (VCV000640497.8), dbSNP rs1596419433, ClinGen allele CA393962578.

ClinVar aggregate classification (germline): Uncertain significance (1 of 4 stars; one submission).

Conditions:
Temtamy preaxial brachydactyly syndrome (TPBS). Identifiers: Orphanet 363417, MedGen C1854466, MONDO:0011533, OMIM 605282.

Allele frequency attached by ClinVar (database versions not stated): gnomAD exomes 0.00001.
gnomAD v4.1: 11 of 1,614,262 alleles (0.00068%); highest among the groups gnomAD compares: Non-Finnish European, 0.00068%; no homozygotes.

Submission:

Labcorp Genetics (formerly Invitae), Labcorp
Classification: Uncertain significance for Temtamy preaxial brachydactyly syndrome. Last evaluated: 2024-04-23. Review status: criteria provided, single submitter. Criteria: Invitae Variant Classification Sherloc (09022015). Collection method: clinical testing. Allele origin: germline.
Comment: This sequence change replaces glutamic acid, which is acidic and polar, with lysine, which is basic and polar, at codon 371 of the CHSY1 protein (p.Glu371Lys). This variant is not present in population databases (gnomAD no frequency). This variant has not been reported in the literature in individuals affected with CHSY1-related conditions. ClinVar contains an entry for this variant (Variation ID: 640497). Advanced modeling of protein sequence and biophysical properties (such as structural, functional, and spatial information, amino acid conservation, physicochemical variation, residue mobility, and thermodynamic stability) performed at Invitae indicates that this missense variant is not expected to disrupt CHSY1 protein function with a negative predictive value of 80%. In summary, the available evidence is currently insufficient to determine the role of this variant in disease. Therefore, it has been classified as a Variant of Uncertain Significance.